The following is an entry in ClinVar:

ClinVar aggregate classification (germline): Uncertain significance (1 of 4 stars; one submission).

Submission:

Women's Health and Genetics/Laboratory Corporation of America, LabCorp
Classification: Uncertain significance. Last evaluated: 2024-09-24. Review status: criteria provided, single submitter. Criteria: LabCorp Variant Classification Summary - May 2015. Collection method: clinical testing. Allele origin: germline.
Comment: Variant summary: BTK c.436T>C (p.Phe146Leu) results in a non-conservative amino acid change in the encoded protein sequence. Four of five in-silico tools predict a damaging effect of the variant on protein function. The variant was absent in 182908 control chromosomes. The available data on variant occurrences in the general population are insufficient to allow any conclusion about variant significance. To our knowledge, no occurrence of c.436T>C in individuals affected with X-Linked Agammaglobulinemia and no experimental evidence demonstrating its impact on protein function have been reported. No submitters have cited clinical-significance assessments for this variant to ClinVar. Based on the evidence outlined above, the variant was classified as uncertain significance.

NM_000061.3(BTK):c.436T>C (p.Phe146Leu)

Gene: BTK (Bruton tyrosine kinase; minus strand). Cytogenetic location: Xq22.1.
Variant type: single nucleotide variant.
Coding change: c.436T>C on transcript NM_000061.3 (MANE Select); coding-DNA position 436, T replaced by C.
Protein change: p.Phe146Leu; replaces phenylalanine 146 with leucine.
Molecular consequence: missense variant.
Genome position (GRCh38, 1-based): chrX:101,362,645, A>G on the plus strand (T>C on the coding strand, the complement: BTK is on the minus strand). VCF-style: chrX-101362645-A-G. GRCh37 (hg19) VCF-style: chrX-100617633-A-G.
Other names: c.538T>C, p.Phe180Leu (NM_001287344.2); c.436T>C, p.Phe146Leu (NM_001287345.2); short protein forms F146L, F180L.
Identifiers: ClinVar variation 3375233 (VCV003375233.1).